The following is an entry in ClinVar:

ClinVar aggregate classification (germline): Uncertain significance (1 of 4 stars; one submission).

Submission:

GeneDx
Classification: Uncertain significance. Last evaluated: 2026-07-28. Review status: criteria provided, single submitter. Criteria: GeneDx Variant Classification Process June 2021. Collection method: clinical testing. Allele origin: germline.
Comment: Not observed at significant frequency in large population cohorts (gnomAD); In silico analysis supports that this missense variant has a deleterious effect on protein structure/function; Has not been previously published as pathogenic or benign to our knowledge

NM_001134407.3(GRIN2A):c.1753A>T (p.Asn585Tyr)

Gene: GRIN2A (glutamate ionotropic receptor NMDA type subunit 2A; minus strand). Cytogenetic location: 16p13.2.
Variant type: single nucleotide variant.
Coding change: c.1753A>T on transcript NM_001134407.3 (MANE Select); coding-DNA position 1753, A replaced by T.
Protein change: p.Asn585Tyr; replaces asparagine 585 with tyrosine.
Molecular consequence: missense variant.
Genome position (GRCh38, 1-based): chr16:9,834,129, T>A on the plus strand (A>T on the coding strand, the complement: GRIN2A is on the minus strand). VCF-style: chr16-9834129-T-A. GRCh37 (hg19) VCF-style: chr16-9927986-T-A.
Other names: c.1753A>T, p.Asn585Tyr (NM_000833.5, NM_001134408.2); short protein forms N585Y.
Identifiers: ClinVar variation 3899401 (VCV003899401.2).